The following is an entry in ClinVar:

ClinVar aggregate classification (germline): Conflicting classifications of pathogenicity. Review status: criteria provided, conflicting classifications (1 of 4 stars). 17 submissions from 12 submitters: Uncertain significance (1); Benign (11). 5 of the submissions do not count toward it. Last evaluated 2026-02-03.

Conditions:
11p partial monosomy syndrome (WAGR). Also called: CHROMOSOME 11p13 DELETION SYNDROME; WAGR Complex; WAGR syndrome; WAGR Spectrum Disorder. Identifiers: Orphanet 893, MedGen C0206115, MONDO:0008681, OMIM 194072.
Autosomal dominant keratitis. Also called: Keratitis, hereditary. Identifiers: Orphanet 2334, MedGen C1835698, MONDO:0007848, OMIM 148190.
Foveal hypoplasia 1. Also called: FOVEAL HYPOPLASIA 1 WITH OR WITHOUT ANTERIOR SEGMENT ANOMALIES AND/OR CATARACT; FOVEAL HYPOPLASIA 1 WITH ANTERIOR SEGMENT ANOMALIES. Identifiers: Orphanet 2253, MedGen C3805604, MONDO:0007628, OMIM 136520.
Abnormality of refraction. Identifiers: MedGen C4025843, HP:0000539.
Aniridia 1 (AN1). Identifiers: Orphanet 250923, MedGen C0344542, MONDO:0024507, OMIM 106210.
Irido-corneo-trabecular dysgenesis (ASGD5). Also called: ANTERIOR SEGMENT DYSGENESIS 5. Identifiers: Orphanet 708, MedGen C0344559, MONDO:0011414, OMIM 604229, HP:0000659.
Anophthalmia-microphthalmia syndrome. Also called: Anophthalmia - microphthalmia; Anophthalmia/Microphthalmia. Identifiers: Orphanet 98555, MedGen C5680330, MONDO:0020147.
carboxymethyl-dextran-A2-gadolinium-DOTA.

Allele frequency attached by ClinVar (database versions not stated): ESP Exome Variant Server 0.04592; gnomAD exomes 0.05736 and 0.08513; gnomAD 0.05916 and 0.06180; TOPMed 0.07044; ExAC 0.07792; 1000 Genomes Project 0.09046; 1000 Genomes Project 30x 0.09104.

Submissions (17):

Labcorp Genetics (formerly Invitae), Labcorp
Classification: Benign for Aniridia 1; Irido-corneo-trabecular dysgenesis. Last evaluated: 2026-02-03. Review status: criteria provided, single submitter. Criteria: Invitae Variant Classification Sherloc (09022015). Collection method: clinical testing. Allele origin: germline.

Blueprint Genetics
Classification: Benign. Last evaluated: 2024-11-27. Review status: criteria provided, single submitter. Criteria: ACMG Guidelines, 2015. Collection method: clinical testing. Allele origin: germline.

Illumina Laboratory Services, Illumina
Classification: Benign for Autosomal dominant keratitis. Last evaluated: 2017-04-27. Review status: criteria provided, single submitter. Criteria: ICSL Variant Classification Criteria 13 December 2019. Collection method: clinical testing. Allele origin: germline.
Comment: This variant was observed as part of a predisposition screen in an ostensibly healthy population. A literature search was performed for the gene, cDNA change, and amino acid change (where applicable). No publications were found based on this search. Allele frequency data from public databases was too high to be consistent with this variant causing disease. Therefore, this variant is classified as benign.

Illumina Laboratory Services, Illumina
Classification: Benign for Anophthalmia-microphthalmia syndrome. Last evaluated: 2017-04-27. Review status: criteria provided, single submitter. Criteria: ICSL Variant Classification Criteria 13 December 2019. Collection method: clinical testing. Allele origin: germline.
Comment: the same text as in the submission from Illumina Laboratory Services, Illumina above.

Illumina Laboratory Services, Illumina
Classification: Benign for carboxymethyl-dextran-A2-gadolinium-DOTA. Last evaluated: 2017-04-27. Review status: criteria provided, single submitter. Criteria: ICSL Variant Classification Criteria 13 December 2019. Collection method: clinical testing. Allele origin: germline.
Comment: the same text as in the submission from Illumina Laboratory Services, Illumina above.

Illumina Laboratory Services, Illumina
Classification: Benign for Aniridia 1. Last evaluated: 2017-04-27. Review status: criteria provided, single submitter. Criteria: ICSL Variant Classification Criteria 13 December 2019. Collection method: clinical testing. Allele origin: germline.
Comment: This variant was observed as part of a predisposition screen in an ostensibly healthy population. A literature search was performed for the gene, cDNA change, and amino acid change (where applicable). Publications were found based on this search. The evidence from the literature, in combination with allele frequency data from public databases where available, was sufficient to rule this variant out of causing disease. Therefore, this variant is classified as benign.

Illumina Laboratory Services, Illumina
Classification: Benign for Foveal hypoplasia 1. Last evaluated: 2017-04-27. Review status: criteria provided, single submitter. Criteria: ICSL Variant Classification Criteria 13 December 2019. Collection method: clinical testing. Allele origin: germline.
Comment: the same text as in the submission from Illumina Laboratory Services, Illumina above.

Illumina Laboratory Services, Illumina
Classification: Benign for Wilms tumor, aniridia, genitourinary anomalies, and mental retardation syndrome. Last evaluated: 2017-04-27. Review status: criteria provided, single submitter. Criteria: ICSL Variant Classification Criteria 13 December 2019. Collection method: clinical testing. Allele origin: germline.
Comment: the same text as in the submission from Illumina Laboratory Services, Illumina above.

Eurofins Ntd Llc (ga)
Classification: Benign. Last evaluated: 2015-10-09. Review status: criteria provided, single submitter. Criteria: EGL Classification Definitions 2015. Collection method: clinical testing. Allele origin: germline. Observed: 2 variant alleles, 2 heterozygotes.

GeneDx
Classification: Benign. Last evaluated: 2015-03-03. Review status: criteria provided, single submitter. Criteria: GeneDx Variant Classification Process June 2021. Collection method: clinical testing. Allele origin: germline. Affected: yes.
Comment: This variant is associated with the following publications: (PMID: 19390808, 18776953, 12868034, 9727514, 27884173)

Clinical Genomics, Uppaluri K&H Personalized Medicine Clinic
Classification: Uncertain significance for Abnormality of refraction. Review status: criteria provided, single submitter. Criteria: K&H Uppaluri Personalized Medicine Clinic Variant Classification & Assertion Criteria. Collection method: research. Allele origin: somatic.
Comment: Mutations in PAX6 can predispose to neonatal diabetes along with extra pancreatic manifestation of optic abnormalities. However, no sufficient evidence was found for the role of rs667773 variant in Diabetes Mellitus yet.

PreventionGenetics, part of Exact Sciences
Classification: Benign. Review status: criteria provided, single submitter. Criteria: ACMG Guidelines, 2015. Collection method: clinical testing. Allele origin: germline.

Clinical Genetics DNA and cytogenetics Diagnostics Lab, Erasmus MC, Erasmus Medical Center
Classification: Benign. Review status: no assertion criteria provided. Collection method: clinical testing. Allele origin: germline. Affected: yes. Study: VKGL Data-share Consensus. Not counted in ClinVar's aggregate classification.

Clinical Genetics, Academic Medical Center
Classification: Benign. Review status: no assertion criteria provided. Collection method: clinical testing. Allele origin: germline. Affected: yes. Study: VKGL Data-share Consensus. Not counted in ClinVar's aggregate classification.

Diagnostic Laboratory, Department of Genetics, University Medical Center Groningen
Classification: Benign. Review status: no assertion criteria provided. Collection method: clinical testing. Allele origin: germline. Affected: yes. Study: VKGL Data-share Consensus. Not counted in ClinVar's aggregate classification.

Genome Diagnostics Laboratory, Amsterdam University Medical Center
Classification: Benign. Review status: no assertion criteria provided. Collection method: clinical testing. Allele origin: germline. Affected: yes. Study: VKGL Data-share Consensus. Not counted in ClinVar's aggregate classification.

Genome Diagnostics Laboratory, University Medical Center Utrecht
Classification: Benign. Review status: no assertion criteria provided. Collection method: clinical testing. Allele origin: germline. Affected: yes. Study: VKGL Data-share Consensus. Not counted in ClinVar's aggregate classification.

Literature cited by the submitters: PubMed 12868034 (cited by Illumina Laboratory Services, Illumina); PubMed 9727514 (cited by Illumina Laboratory Services, Illumina); PubMed 15086958 (cited by Illumina Laboratory Services, Illumina); PubMed 26604670 (cited by Clinical Genomics, Uppaluri K&H Personalized Medicine Clinic).

NM_001368894.2(PAX6):c.808-12C>T

Gene: PAX6 (paired box 6; minus strand). Cytogenetic location: 11p13.
Variant type: single nucleotide variant.
Coding change: c.808-12C>T on transcript NM_001368894.2 (MANE Select); 12 bases into the intron before coding-DNA position 808, C replaced by T.
Molecular consequence: intron variant.
Genome position (GRCh38, 1-based): chr11:31,793,814, G>A on the plus strand (C>T on the coding strand, the complement: PAX6 is on the minus strand). VCF-style: chr11-31793814-G-A. GRCh37 (hg19) VCF-style: chr11-31815362-G-A.
Other names: c.766-12C>T (NM_001127612.3, NM_001368890.2, NM_001368888.2 and 10 more transcripts); c.607-12C>T (NM_001368921.2, NM_001368923.2, NM_001368926.2 and 4 more transcripts); c.808-12C>T (NM_001258462.3, NM_001310158.2, NM_001258463.2 and 6 more transcripts); c.883-12C>T (NM_001368919.2, NM_001368918.2); c.1009-12C>T (NM_001368910.2); c.358-12C>T (NM_001368909.2, NM_001368904.2, NM_001368905.2 and 11 more transcripts); c.811-12C>T (NM_001368911.2); c.565-12C>T (NM_001368928.2); and 2 more.
Identifiers: ClinVar variation 258168 (VCV000258168.27), dbSNP rs667773, ClinGen allele CA5933790.